The following is an entry in ClinVar:

ClinVar aggregate classification (germline): Uncertain significance (1 of 4 stars; one submission).

Submission:

GeneDx
Classification: Uncertain significance. Last evaluated: 2024-12-11. Review status: criteria provided, single submitter. Criteria: GeneDx Variant Classification Process June 2021. Collection method: clinical testing. Allele origin: germline. Affected: yes.
Comment: Not observed at significant frequency in large population cohorts (gnomAD); In silico analysis supports that this missense variant has a deleterious effect on protein structure/function; Has not been previously published as pathogenic or benign to our knowledge

NM_000208.4(INSR):c.1139A>G (p.Glu380Gly)

Gene: INSR (insulin receptor; minus strand). Cytogenetic location: 19p13.2.
Variant type: single nucleotide variant.
Coding change: c.1139A>G on transcript NM_000208.4 (MANE Select); coding-DNA position 1139, A replaced by G.
Protein change: p.Glu380Gly; replaces glutamic acid 380 with glycine.
Molecular consequence: missense variant.
Genome position (GRCh38, 1-based): chr19:7,172,419, T>C on the plus strand (A>G on the coding strand, the complement: INSR is on the minus strand). VCF-style: chr19-7172419-T-C. GRCh37 (hg19) VCF-style: chr19-7172430-T-C.
Other names: c.1139A>G, p.Glu380Gly (NM_001079817.3); short protein forms E380G.
Identifiers: ClinVar variation 3902960 (VCV003902960.1).